The following is an entry in ClinVar:

NM_000264.5(PTCH1):c.2257G>A (p.Val753Met)

Genes: PTCH1 (patched 1; minus strand), LOC100507346 (uncharacterized LOC100507346; plus strand). Cytogenetic location: 9q22.32.
Variant type: single nucleotide variant.
Coding change: c.2257G>A on transcript NM_000264.5 (MANE Select); coding-DNA position 2257, G replaced by A.
Protein change: p.Val753Met; replaces valine 753 with methionine.
Molecular consequence: missense variant. On other transcripts: non-coding transcript variant (1).
Genome position (GRCh38, 1-based): chr9:95,467,419, C>T on the plus strand (G>A on the coding strand, the complement: PTCH1 is on the minus strand). VCF-style: chr9-95467419-C-T. GRCh37 (hg19) VCF-style: chr9-98229701-C-T.
Other names: c.2059G>A, p.Val687Met (NM_001083602.3); c.2254G>A, p.Val752Met (NM_001083603.3); c.1804G>A, p.Val602Met (NM_001083604.3, NM_001083605.3, NM_001083606.3 and 1 more transcripts); c.2101G>A, p.Val701Met (NM_001354918.2); short protein forms V753M, V701M, V602M, V752M, V687M.
Identifiers: ClinVar variation 641411 (VCV000641411.10), dbSNP rs1588569635, ClinGen allele CA374114761.

ClinVar aggregate classification (germline): Uncertain significance. Review status: criteria provided, multiple submitters, no conflicts (2 of 4 stars). 2 submissions from 2 submitters: Uncertain significance (2). Last evaluated 2026-01-14.

Conditions:
Hereditary cancer-predisposing syndrome. Also called: Neoplastic Syndromes, Hereditary; Hereditary Cancer Syndrome; Hereditary neoplastic syndrome; Tumor predisposition. Identifiers: Orphanet 140162, MedGen C0027672, MeSH D009386, MONDO:0015356.
Gorlin syndrome. Also called: Basal cell nevus syndrome; Nevoid Basal Cell Carcinoma Syndrome. Identifiers: Orphanet 377, MedGen C0004779, MONDO:0007187.

Submissions (2):

Labcorp Genetics (formerly Invitae), Labcorp
Classification: Uncertain significance for Gorlin syndrome. Last evaluated: 2026-01-14. Review status: criteria provided, single submitter. Criteria: Invitae Variant Classification Sherloc (09022015). Collection method: clinical testing. Allele origin: germline.
Comment: This sequence change replaces valine, which is neutral and non-polar, with methionine, which is neutral and non-polar, at codon 753 of the PTCH1 protein (p.Val753Met). This variant is not present in population databases (gnomAD no frequency). This variant has not been reported in the literature in individuals affected with PTCH1-related conditions. ClinVar contains an entry for this variant (Variation ID: 641411). Invitae Evidence Modeling of protein sequence and biophysical properties (such as structural, functional, and spatial information, amino acid conservation, physicochemical variation, residue mobility, and thermodynamic stability) has been performed for this missense variant. However, the output from this modeling did not meet the statistical confidence thresholds required to predict the impact of this variant on PTCH1 protein function. In summary, the available evidence is currently insufficient to determine the role of this variant in disease. Therefore, it has been classified as a Variant of Uncertain Significance.

Ambry Genetics
Classification: Uncertain significance for Hereditary cancer-predisposing syndrome. Last evaluated: 2023-02-23. Review status: criteria provided, single submitter. Criteria: Ambry Variant Classification Scheme 2023. Collection method: clinical testing. Allele origin: germline.
Comment: The p.V753M variant (also known as c.2257G>A), located in coding exon 15 of the PTCH1 gene, results from a G to A substitution at nucleotide position 2257. The valine at codon 753 is replaced by methionine, an amino acid with highly similar properties. This amino acid position is conserved. In addition, this alteration is predicted to be deleterious by in silico analysis. Since supporting evidence is limited at this time, the clinical significance of this alteration remains unclear.